The following is an entry in ClinVar:

NM_004329.3(BMPR1A):c.859A>T (p.Asn287Tyr)

Gene: BMPR1A (bone morphogenetic protein receptor type 1A; plus strand). Cytogenetic location: 10q23.2.
Variant type: single nucleotide variant.
Coding change: c.859A>T on transcript NM_004329.3 (MANE Select); coding-DNA position 859, A replaced by T.
Protein change: p.Asn287Tyr; replaces asparagine 287 with tyrosine.
Molecular consequence: missense variant. On other transcripts: non-coding transcript variant (3).
Genome position (GRCh38, 1-based): chr10:86,917,317, A>T. VCF-style: chr10-86917317-A-T. GRCh37 (hg19) VCF-style: chr10-88677074-A-T.
Other names: c.934A>T, p.Asn312Tyr (NM_001406559.1); c.907A>T, p.Asn303Tyr (NM_001406560.1); c.859A>T, p.Asn287Tyr (NM_001406561.1, NM_001406562.1, NM_001406563.1 and 19 more transcripts); c.853A>T, p.Asn285Tyr (NM_001406583.1); c.775A>T, p.Asn259Tyr (NM_001406584.1, NM_001406585.1, NM_001406586.1 and 2 more transcripts); c.517A>T, p.Asn173Tyr (NM_001406589.1); short protein forms N312Y, N173Y, N287Y, N259Y, N285Y, N303Y.
Identifiers: ClinVar variation 3261230 (VCV003261230.1).

ClinVar aggregate classification (germline): Uncertain significance (1 of 4 stars; one submission).

Conditions:
Hereditary cancer-predisposing syndrome. Also called: Hereditary Cancer Syndrome; Tumor predisposition; Hereditary neoplastic syndrome; Neoplastic Syndromes, Hereditary. Identifiers: Orphanet 140162, MedGen C0027672, MeSH D009386, MONDO:0015356.

Submission:

Ambry Genetics
Classification: Uncertain significance for Hereditary cancer-predisposing syndrome. Last evaluated: 2024-06-24. Review status: criteria provided, single submitter. Criteria: Ambry Variant Classification Scheme 2023. Collection method: clinical testing. Allele origin: germline.
Comment: The p.N287Y variant (also known as c.859A>T), located in coding exon 7 of the BMPR1A gene, results from an A to T substitution at nucleotide position 859. The asparagine at codon 287 is replaced by tyrosine, an amino acid with dissimilar properties. This alteration was observed in the TCGA colorectal adenocarcinoma data set, which was used to represent sporadic cancer in a study of patients with wild-type PTEN who met at least the relaxed diagnostic criteria of the International Cowden Consortium (Lee YR et al. N Engl J Med, 2020 May;382:2103-2116). Based on data from gnomAD, the frequency for this variant is above the maximum credible frequency for a disease-causing variant in this gene based on internally established thresholds (Karczewski et al. Nature. 2020 May;581(7809):434-443; Whiffin et al. Genet Med. 2017 10;19:1151-1158). This amino acid position is highly conserved in available vertebrate species. In addition, this alteration is predicted to be deleterious by in silico analysis. Based on the available evidence, the clinical significance of this variant remains unclear.

Literature cited by the submitters: PubMed 32459922.